The following is an entry in ClinVar:

ClinVar aggregate classification (germline): Uncertain significance (1 of 4 stars; one submission).

Conditions:
Inborn genetic diseases. Identifiers: MedGen C0950123, MeSH D030342.

Submission:

Ambry Genetics
Classification: Uncertain significance for Inborn genetic diseases. Last evaluated: 2024-12-23. Review status: criteria provided, single submitter. Criteria: Ambry Variant Classification Scheme 2023. Collection method: clinical testing. Allele origin: germline.
Comment: The p.R893L variant (also known as c.2678G>T), located in coding exon 12 of the BMPR2 gene, results from a G to T substitution at nucleotide position 2678. The arginine at codon 893 is replaced by leucine, an amino acid with dissimilar properties. This amino acid position is conserved. In addition, this alteration is predicted to be deleterious by in silico analysis. Based on the available evidence, the clinical significance of this variant remains unclear.

NM_001204.7(BMPR2):c.2678G>T (p.Arg893Leu)

Gene: BMPR2 (bone morphogenetic protein receptor type 2; plus strand). Cytogenetic location: 2q33.2.
Variant type: single nucleotide variant.
Coding change: c.2678G>T on transcript NM_001204.7 (MANE Select); coding-DNA position 2678, G replaced by T.
Protein change: p.Arg893Leu; replaces arginine 893 with leucine.
Molecular consequence: missense variant.
Genome position (GRCh38, 1-based): chr2:202,556,343, G>T. VCF-style: chr2-202556343-G-T. GRCh37 (hg19) VCF-style: chr2-203421066-G-T.
Other names: short protein forms R893L.
Identifiers: ClinVar variation 3824775 (VCV003824775.1).